The following is an entry in ClinVar:

ClinVar aggregate classification (germline): Pathogenic (1 of 4 stars; one submission).

Conditions:
Duchenne muscular dystrophy (DMD). Also called: MUSCULAR DYSTROPHY, PSEUDOHYPERTROPHIC PROGRESSIVE, DUCHENNE TYPE; Duchenne Muscular Dystrophy (DMD). Identifiers: Orphanet 98896, MedGen C0013264, MONDO:0010679, OMIM 310200.

Submission:

Labcorp Genetics (formerly Invitae), Labcorp
Classification: Pathogenic for Duchenne muscular dystrophy. Last evaluated: 2023-05-17. Review status: criteria provided, single submitter. Criteria: Invitae Variant Classification Sherloc (09022015). Collection method: clinical testing. Allele origin: unknown.
Comment: For these reasons, this variant has been classified as Pathogenic. A similar copy number variant has been observed in individual(s) with Duchenne and/or Becker muscular dystrophy (PMID: 30816495, 32358784). This variant results in a copy number gain of the genomic region encompassing exon(s) 49-52 of the DMD gene. While the exact position of this variant cannot be determined from the data, sub-genic copy number gains are generally in tandem (PMID: 25640679). This variant is predicted to be out-of-frame, and may result in an absent or disrupted protein product. Loss-of-function variants in DMD are known to be pathogenic (PMID: 16770791, 25007885).

Literature cited by the submitters: PubMed 30816495; PubMed 32358784; PubMed 25640679; PubMed 16770791; PubMed 25007885.

NC_000023.10:g.(?_31747728)_(31854956_?)dup

Gene: DMD (dystrophin; minus strand). Cytogenetic location: Xp21.1.
Variant type: Duplication.
Identifiers: ClinVar variation 3243153 (VCV003243153.1).